The following is an entry in ClinVar:

ClinVar aggregate classification (germline): Uncertain significance (1 of 4 stars; one submission).

Conditions:
Adams-Oliver syndrome 5 (AOS5). Identifiers: Orphanet 974, MedGen C4014970, MONDO:0014459, OMIM 616028.

Submission:

Labcorp Genetics (formerly Invitae), Labcorp
Classification: Uncertain significance for Adams-Oliver syndrome 5. Last evaluated: 2025-04-30. Review status: criteria provided, single submitter. Criteria: Invitae Variant Classification Sherloc (09022015). Collection method: clinical testing. Allele origin: germline.
Comment: This sequence change replaces lysine, which is basic and polar, with asparagine, which is neutral and polar, at codon 2049 of the NOTCH1 protein (p.Lys2049Asn). This variant is not present in population databases (gnomAD no frequency). This variant has not been reported in the literature in individuals affected with NOTCH1-related conditions. ClinVar contains an entry for this variant (Variation ID: 1477785). Invitae Evidence Modeling of protein sequence and biophysical properties (such as structural, functional, and spatial information, amino acid conservation, physicochemical variation, residue mobility, and thermodynamic stability) indicates that this missense variant is not expected to disrupt NOTCH1 protein function with a negative predictive value of 80%. In summary, the available evidence is currently insufficient to determine the role of this variant in disease. Therefore, it has been classified as a Variant of Uncertain Significance.

NM_017617.5(NOTCH1):c.6147G>C (p.Lys2049Asn)

Genes: NOTCH1 (notch receptor 1; minus strand), LOC126860794 (BRD4-independent group 4 enhancer GRCh37_chr9:139392592-139393791; plus strand). Cytogenetic location: 9q34.3.
Variant type: single nucleotide variant.
Coding change: c.6147G>C on transcript NM_017617.5 (MANE Select); coding-DNA position 6147, G replaced by C.
Protein change: p.Lys2049Asn; replaces lysine 2049 with asparagine.
Molecular consequence: missense variant.
Genome position (GRCh38, 1-based): chr9:136,498,932, C>G on the plus strand (G>C on the coding strand, the complement: NOTCH1 is on the minus strand). VCF-style: chr9-136498932-C-G. GRCh37 (hg19) VCF-style: chr9-139393384-C-G.
Other names: short protein forms K2049N.
Identifiers: ClinVar variation 1477785 (VCV001477785.6), dbSNP rs2133321599, ClinGen allele CA375633859.